The following is an entry in ClinVar:

ClinVar aggregate classification (germline): Uncertain significance (1 of 4 stars; one submission).

Conditions:
Rienhoff syndrome. Also called: LOEYS-DIETZ SYNDROME 5. Identifiers: MedGen C3810012, MONDO:0014262, OMIM 615582.

Allele frequency attached by ClinVar (database versions not stated): gnomAD exomes below 0.00001.
gnomAD v4.1: 1 of 1,613,962 alleles (0.000062%); highest among the groups gnomAD compares: Non-Finnish European, 0.000085%; no homozygotes.

Submission:

Labcorp Genetics (formerly Invitae), Labcorp
Classification: Uncertain significance for Rienhoff syndrome. Last evaluated: 2023-12-12. Review status: criteria provided, single submitter. Criteria: Invitae Variant Classification Sherloc (09022015). Collection method: clinical testing. Allele origin: germline.
Comment: This sequence change replaces leucine, which is neutral and non-polar, with serine, which is neutral and polar, at codon 219 of the TGFB3 protein (p.Leu219Ser). This variant is not present in population databases (gnomAD no frequency). This variant has not been reported in the literature in individuals affected with TGFB3-related conditions. Advanced modeling of protein sequence and biophysical properties (such as structural, functional, and spatial information, amino acid conservation, physicochemical variation, residue mobility, and thermodynamic stability) performed at Invitae indicates that this missense variant is not expected to disrupt TGFB3 protein function with a negative predictive value of 80%. In summary, the available evidence is currently insufficient to determine the role of this variant in disease. Therefore, it has been classified as a Variant of Uncertain Significance.

NM_003239.5(TGFB3):c.656T>C (p.Leu219Ser)

Gene: TGFB3 (transforming growth factor beta 3; minus strand). Cytogenetic location: 14q24.3.
Variant type: single nucleotide variant.
Coding change: c.656T>C on transcript NM_003239.5 (MANE Select); coding-DNA position 656, T replaced by C.
Protein change: p.Leu219Ser; replaces leucine 219 with serine.
Molecular consequence: missense variant.
Genome position (GRCh38, 1-based): chr14:75,965,686, A>G on the plus strand (T>C on the coding strand, the complement: TGFB3 is on the minus strand). VCF-style: chr14-75965686-A-G. GRCh37 (hg19) VCF-style: chr14-76432029-A-G.
Other names: c.656T>C, p.Leu219Ser (NM_001329938.2, NM_001329939.2); short protein forms L219S.
Identifiers: ClinVar variation 2899751 (VCV002899751.3), dbSNP rs2504103025, ClinGen allele CA390469028.